The following is an entry in ClinVar:

NM_000256.3(MYBPC3):c.2959G>A (p.Val987Ile)

Gene: MYBPC3 (myosin binding protein C3; minus strand). Cytogenetic location: 11p11.2.
Variant type: single nucleotide variant.
Coding change: c.2959G>A on transcript NM_000256.3 (MANE Select); coding-DNA position 2959, G replaced by A.
Protein change: p.Val987Ile; replaces valine 987 with isoleucine.
Molecular consequence: missense variant.
Genome position (GRCh38, 1-based): chr11:47,333,957, C>T on the plus strand (G>A on the coding strand, the complement: MYBPC3 is on the minus strand). VCF-style: chr11-47333957-C-T. GRCh37 (hg19) VCF-style: chr11-47355508-C-T.
Other names: c.2959G>A, p.Val987Ile (LRG_386t1); short protein forms V987I.
Identifiers: ClinVar variation 570123 (VCV000570123.14), dbSNP rs1565623672, ClinGen allele CA052082.

ClinVar aggregate classification (germline): Uncertain significance. Review status: criteria provided, multiple submitters, no conflicts (2 of 4 stars). 4 submissions from 4 submitters: Uncertain significance (4). Last evaluated 2025-04-09.

Conditions:
Cardiomyopathy (CMYO). Also called: Cardiomyopathies. Identifiers: Orphanet 167848, MedGen C0878544, MONDO:0004994, HP:0001638. Inheritance: Various modes of inheritance.
Hypertrophic cardiomyopathy. Also called: HYPERTROPHIC MYOCARDIOPATHY. Identifiers: Orphanet 217569, MedGen C0007194, MeSH D002312, MONDO:0005045, HP:0001639.
Cardiovascular phenotype. Identifiers: MedGen CN230736.

Allele frequency attached by ClinVar (database versions not stated): gnomAD exomes below 0.00001; gnomAD 0.00001; 1000 Genomes Project 30x 0.00016.
gnomAD v4.1: 5 of 1,584,432 alleles (0.00032%); highest among the groups gnomAD compares: Middle Eastern, 0.05%; no homozygotes.

Submissions (4):

Molecular Diagnostic Laboratory for Inherited Cardiovascular Disease, Montreal Heart Institute
Classification: Uncertain significance for Cardiovascular phenotype. Last evaluated: 2025-04-09. Review status: criteria provided, single submitter. Criteria: ACMG Guidelines, 2015. Collection method: clinical testing. Allele origin: germline. Affected: yes.

Color Diagnostics, LLC DBA Color Health
Classification: Uncertain significance for Cardiomyopathy. Last evaluated: 2024-03-06. Review status: criteria provided, single submitter. Criteria: ACMG Guidelines, 2015. Collection method: clinical testing. Allele origin: germline.
Comment: This missense variant replaces valine with isoleucine at codon 987 of the MYBPC3 protein. Computational prediction suggests that this variant may not impact protein structure and function (internally defined REVEL score threshold <= 0.5, PMID: 27666373). To our knowledge, functional studies have not been reported for this variant. This variant has not been reported in individuals affected with cardiovascular disorders in the literature. This variant has not been identified in the general population by the Genome Aggregation Database (gnomAD). The available evidence is insufficient to determine the role of this variant in disease conclusively. Therefore, this variant is classified as a Variant of Uncertain Significance.

Labcorp Genetics (formerly Invitae), Labcorp
Classification: Uncertain significance for Hypertrophic cardiomyopathy. Last evaluated: 2023-10-28. Review status: criteria provided, single submitter. Criteria: Invitae Variant Classification Sherloc (09022015). Collection method: clinical testing. Allele origin: germline.
Comment: This sequence change replaces valine, which is neutral and non-polar, with isoleucine, which is neutral and non-polar, at codon 987 of the MYBPC3 protein (p.Val987Ile). This variant is not present in population databases (gnomAD no frequency). This variant has not been reported in the literature in individuals affected with MYBPC3-related conditions. ClinVar contains an entry for this variant (Variation ID: 570123). An algorithm developed to predict the effect of missense changes on protein structure and function (PolyPhen-2) suggests that this variant is likely to be disruptive. In summary, the available evidence is currently insufficient to determine the role of this variant in disease. Therefore, it has been classified as a Variant of Uncertain Significance.

Blueprint Genetics
Classification: Uncertain significance. Last evaluated: 2018-03-15. Review status: criteria provided, single submitter. Criteria: ACMG Guidelines, 2015. Collection method: clinical testing. Allele origin: germline.